The following is an entry in ClinVar:

NM_024649.5(BBS1):c.1A>G (p.Met1Val)

Gene: BBS1 (Bardet-Biedl syndrome 1; plus strand). Cytogenetic location: 11q13.2.
Variant type: single nucleotide variant.
Coding change: c.1A>G on transcript NM_024649.5 (MANE Select); coding-DNA position 1, A replaced by G.
Protein change: p.Met1Val; changes the start codon (methionine 1).
Molecular consequence: missense variant, initiator codon variant.
Genome position (GRCh38, 1-based): chr11:66,510,660, A>G. VCF-style: chr11-66510660-A-G. GRCh37 (hg19) VCF-style: chr11-66278131-A-G.
Other names: short protein forms M1V.
Identifiers: ClinVar variation 1457144 (VCV001457144.7), dbSNP rs1306821707, ClinGen allele CA381453161.
Genomic context (GRCh38, chr11:66,510,660, plus strand): 5'-TCGGGCACTATTGGGCGTTACGCGAGGGCGGGGCCGGTTGCCAGGACGACGCCTGCGAAG[A>G]TGGCCGCTGCGTCCTCATCGGATTCCGACGCCTGCGGAGCTGAGAGGTGAAGGCAGGGCT-3'
Protein context (NP_078925.3, residues 1-11): [Met1Val]AAASSSDSDA

ClinVar aggregate classification (germline): Pathogenic/Likely pathogenic. Review status: criteria provided, multiple submitters, no conflicts (2 of 4 stars). 2 submissions from 2 submitters: Pathogenic (1); Likely pathogenic (1). Last evaluated 2024-05-22.

Conditions:
Bardet-Biedl syndrome (BBS). Identifiers: Orphanet 110, MedGen C0752166, MONDO:0015229.
Bardet-Biedl syndrome 1 (BBS1). Identifiers: MedGen C2936862, MONDO:0008854, OMIM 209900. Disease mechanism: loss of function.

Allele frequency attached by ClinVar (database versions not stated): gnomAD exomes below 0.00001.

Submissions (2):

Fulgent Genetics
Classification: Likely pathogenic for Bardet-Biedl syndrome 1. Last evaluated: 2024-05-22. Review status: criteria provided, single submitter. Criteria: ACMG Guidelines, 2015. Collection method: clinical testing. Allele origin: germline.

Labcorp Genetics (formerly Invitae), Labcorp
Classification: Pathogenic for Bardet-Biedl syndrome. Last evaluated: 2023-11-30. Review status: criteria provided, single submitter. Criteria: Invitae Variant Classification Sherloc (09022015). Collection method: clinical testing. Allele origin: germline.
Comment: This sequence change affects the initiator methionine of the BBS1 mRNA. The next in-frame methionine is located at codon 31. This variant is present in population databases (no rsID available, gnomAD 0.003%). Disruption of the initiator codon has been observed in individual(s) with Bardet-Biedl syndrome (PMID: 17980398). ClinVar contains an entry for this variant (Variation ID: 1457144). This variant disrupts a region of the BBS1 protein in which other variant(s) (p.Ser16Cys) have been observed in individuals with BBS1-related conditions (PMID: 31196119). This suggests that this is a clinically significant region of the protein, and that variants that disrupt it are likely to be disease-causing. For these reasons, this variant has been classified as Pathogenic.

Literature cited by the submitters: PubMed 17980398 (cited by Labcorp Genetics (formerly Invitae), Labcorp); PubMed 31196119 (cited by Labcorp Genetics (formerly Invitae), Labcorp).